The following is an entry in ClinVar:

ClinVar aggregate classification (germline): Uncertain significance (1 of 4 stars; one submission).

gnomAD v4.1: 2 of 1,602,496 alleles (0.00012%); highest among the groups gnomAD compares: Middle Eastern, 0.017%; no homozygotes.

Submission:

Dasa
Classification: Uncertain significance. Last evaluated: 2025-08-19. Review status: criteria provided, single submitter. Criteria: DASA Assertion Criteria. Collection method: clinical testing. Allele origin: germline.
Comment: NM_001162501.2(TNRC6B):c.4259-8T>C is a splice-region variant. This variant is rare in population databases. Computational prediction algorithms are consistent with a benign effect. The currently available literature and clinical evidence are not sufficient to establish a definitive association between this variant and the reported condition. Therefore, this variant is classified as a variant of uncertain significance.

NM_001162501.2(TNRC6B):c.4259-8T>C

Gene: TNRC6B (trinucleotide repeat containing adaptor 6B; plus strand). Cytogenetic location: 22q13.1.
Variant type: single nucleotide variant.
Coding change: c.4259-8T>C on transcript NM_001162501.2 (MANE Select); 8 bases into the intron before coding-DNA position 4259, T replaced by C.
Molecular consequence: intron variant.
Genome position (GRCh38, 1-based): chr22:40,310,809, T>C. VCF-style: chr22-40310809-T-C. GRCh37 (hg19) VCF-style: chr22-40706813-T-C.
Other names: c.1847-8T>C (NM_001024843.2); c.3929-8T>C (NM_015088.3).
Identifiers: ClinVar variation 4886222 (VCV004886222.2).